The following is an entry in ClinVar:

NM_000179.3(MSH6):c.3240G>A (p.Leu1080=)

Gene: MSH6 (mutS homolog 6; plus strand). Cytogenetic location: 2p16.3.
Variant type: single nucleotide variant.
Coding change: c.3240G>A on transcript NM_000179.3 (MANE Select); coding-DNA position 3240, G replaced by A.
Protein change: p.Leu1080=; no amino-acid change (leucine 1080 retained).
Molecular consequence: synonymous variant.
Genome position (GRCh38, 1-based): chr2:47,803,487, G>A. VCF-style: chr2-47803487-G-A. GRCh37 (hg19) VCF-style: chr2-48030626-G-A.
Other names: c.2850G>A, p.Leu950= (NM_001281492.2); c.2334G>A, p.Leu778= (NM_001281493.2, NM_001281494.2).
Identifiers: ClinVar variation 428355 (VCV000428355.17), dbSNP rs1114167739, ClinGen allele CA426121830.

ClinVar aggregate classification (germline): Benign/Likely benign. Review status: criteria provided, multiple submitters, no conflicts (2 of 4 stars). 5 submissions from 5 submitters: Benign (1); Likely benign (4). Last evaluated 2025-01-03.

Conditions:
Hereditary cancer-predisposing syndrome. Also called: Hereditary Cancer Syndrome; Neoplastic Syndromes, Hereditary; Hereditary neoplastic syndrome; Tumor predisposition. Identifiers: Orphanet 140162, MedGen C0027672, MeSH D009386, MONDO:0015356.
Hereditary nonpolyposis colorectal neoplasms. Identifiers: MedGen C0009405, MeSH D003123.
Lynch syndrome 5 (LYNCH5). Also called: Hereditary non-polyposis colorectal cancer, type 5; Colorectal cancer, hereditary nonpolyposis, type 5. Identifiers: Orphanet 144, MedGen C1833477, MONDO:0013710, OMIM 614350. Disease mechanism: loss of function.

Allele frequency attached by ClinVar (database versions not stated): gnomAD exomes 0.00001.
gnomAD v4.1: 8 of 1,614,032 alleles (0.0005%); highest among the groups gnomAD compares: Non-Finnish European, 0.00068%; no homozygotes.

Submissions (5):

Myriad Genetics, Inc.
Classification: Benign for Lynch syndrome 5. Last evaluated: 2025-01-03. Review status: criteria provided, single submitter. Criteria: Myriad Autosomal Dominant, Autosomal Recessive and X-Linked Classification Criteria (2023). Collection method: clinical testing. Allele origin: unknown.
Comment: This variant is considered benign. This variant is a silent/synonymous amino acid change and it is not expected to impact splicing.

Labcorp Genetics (formerly Invitae), Labcorp
Classification: Likely benign for Hereditary nonpolyposis colorectal neoplasms. Last evaluated: 2024-05-21. Review status: criteria provided, single submitter. Criteria: Invitae Variant Classification Sherloc (09022015). Collection method: clinical testing. Allele origin: germline.

GeneDx
Classification: Likely benign. Last evaluated: 2018-01-20. Review status: criteria provided, single submitter. Criteria: GeneDx Variant Classification (06012015). Collection method: clinical testing. Allele origin: germline. Affected: yes.
Comment: This variant is considered likely benign or benign based on one or more of the following criteria: it is a conservative change, it occurs at a poorly conserved position in the protein, it is predicted to be benign by multiple in silico algorithms, and/or has population frequency not consistent with disease.

Color Diagnostics, LLC DBA Color Health
Classification: Likely benign for Hereditary cancer-predisposing syndrome. Last evaluated: 2017-12-04. Review status: criteria provided, single submitter. Criteria: ACMG Guidelines, 2015. Collection method: clinical testing. Allele origin: germline.

Ambry Genetics
Classification: Likely benign for Hereditary cancer-predisposing syndrome. Last evaluated: 2017-04-25. Review status: criteria provided, single submitter. Criteria: Ambry Variant Classification Scheme 2023. Collection method: clinical testing. Allele origin: germline.